The following is an entry in ClinVar:

ClinVar aggregate classification (germline): Uncertain significance (1 of 4 stars; one submission).

Conditions:
Hereditary cancer-predisposing syndrome. Also called: Tumor predisposition; Neoplastic Syndromes, Hereditary; Hereditary Cancer Syndrome; Hereditary neoplastic syndrome. Identifiers: Orphanet 140162, MedGen C0027672, MeSH D009386, MONDO:0015356.

Submission:

Ambry Genetics
Classification: Uncertain significance for Hereditary cancer-predisposing syndrome. Last evaluated: 2025-01-15. Review status: criteria provided, single submitter. Criteria: Ambry Variant Classification Scheme 2023. Collection method: clinical testing. Allele origin: germline.
Comment: The p.G2332C variant (also known as c.6994G>T), located in coding exon 15 of the APC gene, results from a G to T substitution at nucleotide position 6994. The glycine at codon 2332 is replaced by cysteine, an amino acid with highly dissimilar properties. This amino acid position is conserved. In addition, in silico predictors for this gene do not accurately predict pathogenicity. Based on the available evidence, the clinical significance of this variant remains unclear.

NM_000038.6(APC):c.6994G>T (p.Gly2332Cys)

Gene: APC (APC regulator of Wnt signaling pathway; plus strand). Cytogenetic location: 5q22.2.
Variant type: single nucleotide variant.
Coding change: c.6994G>T on transcript NM_000038.6 (MANE Select); coding-DNA position 6994, G replaced by T.
Protein change: p.Gly2332Cys; replaces glycine 2332 with cysteine.
Molecular consequence: missense variant. On other transcripts: non-coding transcript variant (2).
Genome position (GRCh38, 1-based): chr5:112,842,588, G>T. VCF-style: chr5-112842588-G-T. GRCh37 (hg19) VCF-style: chr5-112178285-G-T.
Other names: c.7078G>T, p.Gly2360Cys (NM_001407446.1); c.7048G>T, p.Gly2350Cys (NM_001407448.1, NM_001407447.1, NM_001407449.1 and 1 more transcripts); c.6994G>T, p.Gly2332Cys (NM_001407450.1, NM_001127510.3, NM_001354895.2); c.6973G>T, p.Gly2325Cys (NM_001407451.1); c.6964G>T, p.Gly2322Cys (NM_001407452.1); c.6745G>T, p.Gly2249Cys (NM_001407454.1, NM_001407455.1, NM_001407456.1 and 1 more transcripts); c.6817G>T, p.Gly2273Cys (NM_001407453.1, NM_001354901.2); c.6940G>T, p.Gly2314Cys (NM_001127511.3); and 11 more; short protein forms G2304C, G2332C, G2172C, G2241C, G1948C, G2249C, G2273C, G2314C.
Identifiers: ClinVar variation 3880611 (VCV003880611.1).